The following is an entry in ClinVar:

ClinVar aggregate classification (germline): Pathogenic (1 of 4 stars; one submission).

Conditions:
Tuberous sclerosis 2 (TSC2). Identifiers: Orphanet 805, MedGen C1860707, MONDO:0013199, OMIM 613254.

Submission:

Labcorp Genetics (formerly Invitae), Labcorp
Classification: Pathogenic for Tuberous sclerosis 2. Last evaluated: 2018-07-17. Review status: criteria provided, single submitter. Criteria: Invitae Variant Classification Sherloc (09022015). Collection method: clinical testing. Allele origin: unknown.
Comment: For these reasons, this variant has been classified as Pathogenic. Smaller in-frame deletions (e11 deletion and e11-e12 deletion, also knows as e10 deletion and e10-e11 deletion in the literature) that are fully encompassed by this deletion have been reported in individuals affected with tuberous sclerosis complex and have been determined to be pathogenic (PMID: 17287951, 11112665, 21520333).¬†This suggests that deletion of this region of the TSC2 protein is causative of disease. Similar deletions of exons 6-42 have been observed in individuals affected with tuberous sclerosis complex (PMID: 27406250, Invitae). This variant is a gross deletion of the genomic region encompassing exons 6-42 of the TSC2 gene. The 5' boundary is likely confined to intron 4. The 3' end of this event is unknown as it extends through the termination codon beyond the assayed region for this gene and may encompass additional genes. While this deletion is not anticipated to result in nonsense mediated decay, it is expected to create a truncated protein product or disrupt mRNA translation.

Literature cited by the submitters: PubMed 17287951; PubMed 11112665; PubMed 21520333; PubMed 27406250.

NC_000016.9:g.(?_2104449)_(2286921_?)del

Genes: CASKIN1 (CASK interacting protein 1; minus strand), BRICD5 (BRICHOS domain containing 5; minus strand), DNASE1L2 (deoxyribonuclease 1 like 2; plus strand), E4F1 (E4F transcription factor 1; plus strand), MIR1225 (microRNA 1225; minus strand) and 6 more. Cytogenetic location: 16p13.3.
Variant type: Deletion.
Identifiers: ClinVar variation 3243458 (VCV003243458.1).